The following is an entry in ClinVar:

NM_014423.4(AFF4):c.2007C>G (p.Pro669=)

Gene: AFF4 (ALF transcription elongation factor 4; minus strand). Cytogenetic location: 5q31.1.
Variant type: single nucleotide variant.
Coding change: c.2007C>G on transcript NM_014423.4 (MANE Select); coding-DNA position 2007, C replaced by G.
Protein change: p.Pro669=; no amino-acid change (proline 669 retained).
Molecular consequence: synonymous variant.
Genome position (GRCh38, 1-based): chr5:132,896,623, G>C on the plus strand (C>G on the coding strand, the complement: AFF4 is on the minus strand). VCF-style: chr5-132896623-G-C. GRCh37 (hg19) VCF-style: chr5-132232315-G-C.
Other names: c.2007C>G (NM_014423.3).
Identifiers: ClinVar variation 3667698 (VCV003667698.4).

ClinVar aggregate classification (germline): Benign/Likely benign. Review status: criteria provided, multiple submitters, no conflicts (2 of 4 stars). 3 submissions from 3 submitters: Benign (1); Likely benign (2). Last evaluated 2025-09-16.

Conditions:
AFF4-related disorder. Also called: AFF4-related condition.
Cognitive impairment - coarse facies - heart defects - obesity - pulmonary involvement - short stature - skeletal dysplasia syndrome. Also called: COGNITIVE IMPAIRMENT, COARSE FACIES, HEART DEFECTS, OBESITY, PULMONARY INVOLVEMENT, SHORT STATURE, AND SKELETAL DYSPLASIA; Chops syndrome; AFF4-Related CHOPS Syndrome. Identifiers: Orphanet 444077, MedGen C4085597, MONDO:0014609, OMIM 616368.

gnomAD v4.1: 135 of 1,613,966 alleles (0.0084%); highest among the groups gnomAD compares: South Asian, 0.14%; 1 homozygote.

Submissions (3):

Labcorp Genetics (formerly Invitae), Labcorp
Classification: Benign for Cognitive impairment - coarse facies - heart defects - obesity - pulmonary involvement - short stature - skeletal dysplasia syndrome. Last evaluated: 2025-09-16. Review status: criteria provided, single submitter. Criteria: Invitae Variant Classification Sherloc (09022015). Collection method: clinical testing. Allele origin: germline.

PreventionGenetics, part of Exact Sciences
Classification: Likely benign for AFF4-related condition. Last evaluated: 2025-07-21. Review status: criteria provided, single submitter. Criteria: ACMG Guidelines, 2015. Collection method: clinical testing. Allele origin: germline.
Comment: This variant is classified as likely benign based on ACMG/AMP sequence variant interpretation guidelines (Richards et al. 2015 PMID: 25741868, with internal and published modifications).

Blueprint Genetics
Classification: Likely benign. Last evaluated: 2023-12-15. Review status: criteria provided, single submitter. Criteria: ACMG Guidelines, 2015. Collection method: clinical testing. Allele origin: germline.